The following is an entry in ClinVar:

ClinVar aggregate classification (germline): Uncertain significance. Review status: criteria provided, multiple submitters, no conflicts (2 of 4 stars). 3 submissions from 3 submitters: Uncertain significance (3). Last evaluated 2025-04-30.

gnomAD v4.1: 8 of 1,613,688 alleles (0.0005%); highest among the groups gnomAD compares: Non-Finnish European, 0.00068%; no homozygotes.

Submissions (3):

Labcorp Genetics (formerly Invitae), Labcorp
Classification: Uncertain significance. Last evaluated: 2025-04-30. Review status: criteria provided, single submitter. Criteria: Invitae Variant Classification Sherloc (09022015). Collection method: clinical testing. Allele origin: germline.
Comment: This sequence change replaces arginine, which is basic and polar, with tryptophan, which is neutral and slightly polar, at codon 44 of the SPTB protein (p.Arg44Trp). This variant is present in population databases (no rsID available, gnomAD 0.0009%). This variant has not been reported in the literature in individuals affected with SPTB-related conditions. ClinVar contains an entry for this variant (Variation ID: 3380212). An algorithm developed to predict the effect of missense changes on protein structure and function (PolyPhen-2) suggests that this variant is likely to be disruptive. In summary, the available evidence is currently insufficient to determine the role of this variant in disease. Therefore, it has been classified as a Variant of Uncertain Significance.

Revvity Omics, Revvity
Classification: Uncertain significance. Last evaluated: 2025-01-03. Review status: criteria provided, single submitter. Criteria: ACMG Guidelines, 2015. Collection method: clinical testing. Allele origin: germline.

Mayo Clinic Laboratories, Mayo Clinic
Classification: Uncertain significance. Last evaluated: 2024-04-15. Review status: criteria provided, single submitter. Criteria: ACMG Guidelines, 2015. Collection method: clinical testing. Allele origin: germline. Observed: 1 variant allele.
Comment: PM2_moderate

NM_001355436.2(SPTB):c.130C>T (p.Arg44Trp)

Gene: SPTB (spectrin beta, erythrocytic; minus strand). Cytogenetic location: 14q23.3.
Variant type: single nucleotide variant.
Coding change: c.130C>T on transcript NM_001355436.2 (MANE Select); coding-DNA position 130, C replaced by T.
Protein change: p.Arg44Trp; replaces arginine 44 with tryptophan.
Molecular consequence: missense variant.
Genome position (GRCh38, 1-based): chr14:64,822,965, G>A on the plus strand (C>T on the coding strand, the complement: SPTB is on the minus strand). VCF-style: chr14-64822965-G-A. GRCh37 (hg19) VCF-style: chr14-65289683-G-A.
Other names: p.Arg44Trp; c.130C>T, p.Arg44Trp (NM_001024858.4, NM_001355437.2); short protein forms R44W.
Identifiers: ClinVar variation 3380212 (VCV003380212.3).